The following is an entry in ClinVar:

NM_001009944.3(PKD1):c.10643G>A (p.Arg3548His)

Genes: PKD1-AS1 (PKD1 antisense RNA 1; plus strand), PKD1 (polycystin 1, transient receptor potential channel interacting; minus strand). Cytogenetic location: 16p13.3.
Variant type: single nucleotide variant.
Coding change: c.10643G>A on transcript NM_001009944.3 (MANE Select); coding-DNA position 10643, G replaced by A.
Protein change: p.Arg3548His; replaces arginine 3548 with histidine.
Molecular consequence: missense variant.
Genome position (GRCh38, 1-based): chr16:2,093,989, C>T on the plus strand (G>A on the coding strand, the complement: PKD1 is on the minus strand). VCF-style: chr16-2093989-C-T. GRCh37 (hg19) VCF-style: chr16-2143990-C-T.
Other names: c.10643G>A (NM_001009944.2); c.10640G>A, p.Arg3547His (NM_000296.4); short protein forms R3547H, R3548H.
Identifiers: ClinVar variation 997331 (VCV000997331.3), dbSNP rs62624465, ClinGen allele CA7829472.

ClinVar aggregate classification (germline): Conflicting classifications of pathogenicity. Review status: criteria provided, conflicting classifications (1 of 4 stars). 3 submissions from 3 submitters: Uncertain significance (1); Likely benign (1). 1 of the submissions does not count toward it. Last evaluated 2026-03-24.

Conditions:
Polycystic kidney disease. Also called: Kidney, Polycystic; Polycystic kidney dysplasia. Identifiers: MedGen C0022680, MeSH D007690, MONDO:0020642, HP:0000113.
PKD1-related disorder. Also called: PKD1-related condition.

Allele frequency attached by ClinVar (database versions not stated): gnomAD 0.00011 and 0.00013; TOPMed 0.00015; gnomAD exomes 0.00024 and 0.00027; ESP Exome Variant Server 0.00039; 1000 Genomes Project 0.00040; 1000 Genomes Project 30x 0.00047; ExAC 0.00049.
gnomAD v4.1: 359 of 1,587,216 alleles (0.023%); highest among the groups gnomAD compares: South Asian, 0.039%; no homozygotes.

Submissions (3):

PreventionGenetics, part of Exact Sciences
Classification: Uncertain significance for PKD1-related condition. Last evaluated: 2026-03-24. Review status: criteria provided, single submitter. Criteria: ACMG Guidelines, 2015. Collection method: clinical testing. Allele origin: germline.
Comment: The PKD1 c.10643G>A variant is predicted to result in the amino acid substitution p.Arg3548His. To our knowledge, this variant has not been reported in the literature. This variant is reported in 0.046% of alleles in individuals of European (Finnish) descent in gnomAD. A different variant affecting the same amino acid, c.10642C>T, p.(Arg3548Cys), has been identified in an individual with polycystic kidney disease (Table S4, Carrera et al. 2016. PubMed ID: 27499327). At this time, the clinical significance of this variant is uncertain due to the absence of conclusive functional and genetic evidence.

Blueprint Genetics
Classification: Likely benign. Last evaluated: 2024-07-23. Review status: criteria provided, single submitter. Criteria: ACMG Guidelines, 2015. Collection method: clinical testing. Allele origin: germline.

Department of Pathology and Laboratory Medicine, Sinai Health System
Classification: Uncertain significance for Polycystic Kidney disease. Review status: no assertion criteria provided. Collection method: clinical testing. Allele origin: unknown. Affected: yes. Study: The Canadian Open Genetics Repository (COGR). Not counted in ClinVar's aggregate classification.
Comment: The PKD1 p.Arg3548His variant was not identified in the literature nor was it identified in the ClinVar, LOVD 3.0, ADPKD Mutation Database, or PKD1-LOVD, databases. The variant was identified in dbSNP (ID: rs62624465). The variant was identified in control databases in 58 of 228046 chromosomes at a frequency of 0.0003 increasing the likelihood this could be a low frequency benign variant (Genome Aggregation Database Feb 27, 2017). The variant was observed in the following populations: Other in 3 of 5570 chromosomes (freq: 0.0005), Latino in 5 of 31058 chromosomes (freq: 0.0002), European in 33 of 100676 chromosomes (freq: 0.0003), Finnish in 8 of 17752 chromosomes (freq: 0.0005), and South Asian in 9 of 26898 chromosomes (freq: 0.0003), while the variant was not observed in the African, Ashkenazi Jewish, and East Asian, populations. The p.Arg3548 residue is conserved in mammals but not in more distantly related organisms however four out of five computational analyses (PolyPhen-2, SIFT, AlignGVGD, BLOSUM, MutationTaster) do not suggest a high likelihood of impact to the protein; this information is not predictive enough to rule out pathogenicity. The variant occurs outside of the splicing consensus sequence and in silico or computational prediction software programs (SpliceSiteFinder, MaxEntScan, NNSPLICE, GeneSplicer) do not predict a difference in splicing. In summary, based on the above information the clinical significance of this variant cannot be determined with certainty at this time. This variant is classified as a variant of uncertain significance.